The following is an entry in ClinVar:

ClinVar aggregate classification (germline): Uncertain significance. Review status: criteria provided, multiple submitters, no conflicts (2 of 4 stars). 2 submissions from 2 submitters: Uncertain significance (2). Last evaluated 2023-05-20.

Conditions:
Neurodevelopmental disorder with dysmorphic facies and distal skeletal anomalies. Identifiers: MedGen C5231448, MONDO:0032855, OMIM 618659.

gnomAD v4.1: 2 of 1,613,624 alleles (0.00012%); highest among the groups gnomAD compares: South Asian, 0.0011%; no homozygotes.

Submissions (2):

Neuberg Centre For Genomic Medicine, NCGM
Classification: Uncertain significance for Neurodevelopmental disorder with dysmorphic facies and distal skeletal anomalies. Last evaluated: 2023-05-20. Review status: criteria provided, single submitter. Criteria: ACMG Guidelines, 2015. Collection method: clinical testing. Allele origin: germline. Inheritance: Autosomal dominant inheritance. Affected: yes.
Comment: The observed missense c.2104G>T(p.Ala702Ser) variant in ZMIZ1 gene has not been reported previously as a pathogenic variant nor a benign variant, to our knowledge. The p.Ala702Ser variant is absent in gnomAD Exomes. This variant has not been submitted to the ClinVar database. Multiple lines of computational evidences (Polyphen - Probably damaging, SIFT - Damaging and MutationTaster - Disease causing) predict a damaging effect on protein structure and function for this variant. The reference amino acid is predicted as conserved by GERP++ and PhyloP across 100 vertebrates. The amino acid Ala at position 702 is changed to a Ser changing protein sequence and it might alter its composition and physico-chemical properties. For these reasons, this variant has been classified as a Variant of Uncertain Significance (VUS).

Labcorp Genetics (formerly Invitae), Labcorp
Classification: Uncertain significance. Last evaluated: 2023-01-30. Review status: criteria provided, single submitter. Criteria: Invitae Variant Classification Sherloc (09022015). Collection method: clinical testing. Allele origin: germline.
Comment: In summary, the available evidence is currently insufficient to determine the role of this variant in disease. Therefore, it has been classified as a Variant of Uncertain Significance. Advanced modeling of protein sequence and biophysical properties (such as structural, functional, and spatial information, amino acid conservation, physicochemical variation, residue mobility, and thermodynamic stability) performed at Invitae indicates that this missense variant is expected to disrupt ZMIZ1 protein function. This variant has not been reported in the literature in individuals affected with ZMIZ1-related conditions. This variant is not present in population databases (gnomAD no frequency). This sequence change replaces alanine, which is neutral and non-polar, with serine, which is neutral and polar, at codon 702 of the ZMIZ1 protein (p.Ala702Ser).

NM_020338.4(ZMIZ1):c.2104G>T (p.Ala702Ser)

Gene: ZMIZ1 (zinc finger MIZ-type containing 1; plus strand). Cytogenetic location: 10q22.3.
Variant type: single nucleotide variant.
Coding change: c.2104G>T on transcript NM_020338.4 (MANE Select); coding-DNA position 2104, G replaced by T.
Protein change: p.Ala702Ser; replaces alanine 702 with serine.
Molecular consequence: missense variant.
Genome position (GRCh38, 1-based): chr10:79,302,191, G>T. VCF-style: chr10-79302191-G-T. GRCh37 (hg19) VCF-style: chr10-81061948-G-T.
Other names: short protein forms A702S.
Identifiers: ClinVar variation 2783921 (VCV002783921.4), dbSNP rs2492157947, ClinGen allele CA377340530.